The following is an entry in ClinVar:

NM_006662.3(SRCAP):c.5800A>G (p.Ser1934Gly)

Gene: SRCAP (Snf2 related CREBBP activator protein; plus strand). Cytogenetic location: 16p11.2.
Variant type: single nucleotide variant.
Coding change: c.5800A>G on transcript NM_006662.3 (MANE Select); coding-DNA position 5800, A replaced by G.
Protein change: p.Ser1934Gly; replaces serine 1934 with glycine.
Molecular consequence: missense variant.
Genome position (GRCh38, 1-based): chr16:30,729,107, A>G. VCF-style: chr16-30729107-A-G. GRCh37 (hg19) VCF-style: chr16-30740428-A-G.
Other names: short protein forms S1934G.
Identifiers: ClinVar variation 2710518 (VCV002710518.3), dbSNP rs2506697483, ClinGen allele CA395621357.
Genomic context (GRCh38, chr16:30,729,107, plus strand): 5'-CTGGCACCTGTGTATGGGACTGAAGTCCTGGATTTCTGTACCCTGCCCCAACCTGTTGCC[A>G]GCCCCATCGGCCCTCGTTCTCCTGGCCCCAGCCACCCCACCTTTTGGACTTATACCGAGG-3'
Protein context (NP_006653.2, residues 1924-1944): DFCTLPQPVA[Ser1934Gly]PIGPRSPGPS

ClinVar aggregate classification (germline): Uncertain significance (1 of 4 stars; one submission).

Submission:

Labcorp Genetics (formerly Invitae), Labcorp
Classification: Uncertain significance. Last evaluated: 2024-01-29. Review status: criteria provided, single submitter. Criteria: Invitae Variant Classification Sherloc (09022015). Collection method: clinical testing. Allele origin: germline.
Comment: This sequence change replaces serine, which is neutral and polar, with glycine, which is neutral and non-polar, at codon 1934 of the SRCAP protein (p.Ser1934Gly). This variant is not present in population databases (gnomAD no frequency). This variant has not been reported in the literature in individuals affected with SRCAP-related conditions. Advanced modeling of protein sequence and biophysical properties (such as structural, functional, and spatial information, amino acid conservation, physicochemical variation, residue mobility, and thermodynamic stability) performed at Invitae indicates that this missense variant is not expected to disrupt SRCAP protein function with a negative predictive value of 80%. In summary, the available evidence is currently insufficient to determine the role of this variant in disease. Therefore, it has been classified as a Variant of Uncertain Significance.